The following is an entry in ClinVar:

NM_001041.4(SI):c.2926T>C (p.Phe976Leu)

Gene: SI (sucrase-isomaltase; minus strand). Cytogenetic location: 3q26.1.
Variant type: single nucleotide variant.
Coding change: c.2926T>C on transcript NM_001041.4 (MANE Select); coding-DNA position 2926, T replaced by C.
Protein change: p.Phe976Leu; replaces phenylalanine 976 with leucine.
Molecular consequence: missense variant.
Genome position (GRCh38, 1-based): chr3:165,023,743, A>G on the plus strand (T>C on the coding strand, the complement: SI is on the minus strand). VCF-style: chr3-165023743-A-G. GRCh37 (hg19) VCF-style: chr3-164741531-A-G.
Other names: short protein forms F976L.
Identifiers: ClinVar variation 1944025 (VCV001944025.2), dbSNP rs755351227, ClinGen allele CA2690436.

ClinVar aggregate classification (germline): Uncertain significance (1 of 4 stars; one submission).

Allele frequency attached by ClinVar (database versions not stated): ExAC 0.00002; gnomAD exomes 0.00002.

Submission:

Labcorp Genetics (formerly Invitae), Labcorp
Classification: Uncertain significance. Last evaluated: 2022-08-01. Review status: criteria provided, single submitter. Criteria: Invitae Variant Classification Sherloc (09022015). Collection method: clinical testing. Allele origin: germline.
Comment: This sequence change replaces phenylalanine, which is neutral and non-polar, with leucine, which is neutral and non-polar, at codon 976 of the SI protein (p.Phe976Leu). This variant is present in population databases (rs755351227, gnomAD 0.006%). This variant has not been reported in the literature in individuals affected with SI-related conditions. Advanced modeling of protein sequence and biophysical properties (such as structural, functional, and spatial information, amino acid conservation, physicochemical variation, residue mobility, and thermodynamic stability) performed at Invitae indicates that this missense variant is not expected to disrupt SI protein function. In summary, the available evidence is currently insufficient to determine the role of this variant in disease. Therefore, it has been classified as a Variant of Uncertain Significance.